The following is an entry in ClinVar:

ClinVar aggregate classification (germline): Uncertain significance (1 of 4 stars; one submission).

Conditions:
Inborn genetic diseases. Identifiers: MedGen C0950123, MeSH D030342.

Allele frequency attached by ClinVar (database versions not stated): TOPMed below 0.00001; gnomAD exomes 0.00001.
gnomAD v4.1: 10 of 1,614,230 alleles (0.00062%); highest among the groups gnomAD compares: Non-Finnish European, 0.00085%; no homozygotes.

Submission:

Ambry Genetics
Classification: Uncertain significance for Inborn genetic diseases. Last evaluated: 2021-10-05. Review status: criteria provided, single submitter. Criteria: Ambry Variant Classification Scheme 2023. Collection method: clinical testing. Allele origin: germline.
Comment: The p.M338I variant (also known as c.1014G>A), located in coding exon 8 of the EPAS1 gene, results from a G to A substitution at nucleotide position 1014. The methionine at codon 338 is replaced by isoleucine, an amino acid with highly similar properties. This amino acid position is conserved. In addition, this alteration is predicted to be tolerated by in silico analysis. Since supporting evidence is limited at this time, the clinical significance of this alteration remains unclear.

NM_001430.5(EPAS1):c.1014G>A (p.Met338Ile)

Gene: EPAS1 (endothelial PAS domain protein 1; plus strand). Cytogenetic location: 2p21.
Variant type: single nucleotide variant.
Coding change: c.1014G>A on transcript NM_001430.5 (MANE Select); coding-DNA position 1014, G replaced by A.
Protein change: p.Met338Ile; replaces methionine 338 with isoleucine.
Molecular consequence: missense variant.
Genome position (GRCh38, 1-based): chr2:46,375,817, G>A. VCF-style: chr2-46375817-G-A. GRCh37 (hg19) VCF-style: chr2-46602956-G-A.
Other names: short protein forms M338I.
Identifiers: ClinVar variation 1739935 (VCV001739935.2), dbSNP rs1684733143, ClinGen allele CA346702970.
Genomic context (GRCh38, chr2:46,375,817, plus strand): 5'-GCTGGAGACCCAGGGGACGGTCATCTACAACCCTCGCAACCTGCAGCCCCAGTGCATCAT[G>A]TGTGTCAACTACGTCCTGAGGTAAGCATGTGAGGGCTGGCGGGCCTTGGTGCAGGGTATG-3'
Protein context (NP_001421.2, residues 328-348): NPRNLQPQCI[Met338Ile]CVNYVLSEIE